The following is an entry in ClinVar:

NM_000053.4(ATP7B):c.2479C>T (p.Arg827Trp)

Gene: ATP7B (ATPase copper transporting beta; minus strand). Cytogenetic location: 13q14.3.
Variant type: single nucleotide variant.
Coding change: c.2479C>T on transcript NM_000053.4 (MANE Select); coding-DNA position 2479, C replaced by T.
Protein change: p.Arg827Trp; replaces arginine 827 with tryptophan.
Molecular consequence: missense variant.
Genome position (GRCh38, 1-based): chr13:51,950,368, G>A on the plus strand (C>T on the coding strand, the complement: ATP7B is on the minus strand). VCF-style: chr13-51950368-G-A. GRCh37 (hg19) VCF-style: chr13-52524504-G-A.
Other names: c.1993C>T, p.Arg665Trp (NM_001005918.3); c.2146C>T, p.Arg716Trp (NM_001243182.2); c.2245C>T, p.Arg749Trp (NM_001330578.2); c.2227C>T, p.Arg743Trp (NM_001330579.2); short protein forms R827W, R743W, R665W, R716W, R749W.
Identifiers: ClinVar variation 285881 (VCV000285881.23), dbSNP rs539585071, ClinGen allele CA6988994.

ClinVar aggregate classification (germline): Conflicting classifications of pathogenicity. Review status: criteria provided, conflicting classifications (1 of 4 stars). 11 submissions from 11 submitters: Likely pathogenic (3); Uncertain significance (7). 1 of the submissions does not count toward it. Last evaluated 2025-12-18.

Conditions:
Wilson disease (WND). Also called: Wilson's disease. Identifiers: Orphanet 905, MedGen C0019202, MONDO:0010200, OMIM 277900. Disease mechanism: loss of function.

Allele frequency attached by ClinVar (database versions not stated): gnomAD exomes 0.00004 and 0.00002; 1000 Genomes Project 0.00040; TOPMed 0.00004; ExAC 0.00005; gnomAD 0.00006 and 0.00007; 1000 Genomes Project 30x 0.00062.
gnomAD v4.1: 42 of 1,614,072 alleles (0.0026%); highest among the groups gnomAD compares: Middle Eastern, 0.017%; no homozygotes.

Submissions (11):

GeneDx
Classification: Likely pathogenic. Last evaluated: 2025-12-18. Review status: criteria provided, single submitter. Criteria: GeneDx Variant Classification Process June 2021. Collection method: clinical testing. Allele origin: germline.
Comment: Previously reported in patients with Wilson disease (PMID: 24720933, 33640437); Published functional studies found this variant is unable to complement delta-ccc2 yeast, demonstrating this variant is associated with impaired copper transport (PMID: 21645214); Not observed at significant frequency in large population cohorts (gnomAD); In silico analysis supports that this missense variant has a deleterious effect on protein structure/function; This variant is associated with the following publications: (PMID: 34426522, 33640437, 21645214, 24720933, 30232804, 37937776, 40661833)

Color Diagnostics, LLC DBA Color Health
Classification: Uncertain significance for Wilson disease. Last evaluated: 2025-10-10. Review status: criteria provided, single submitter. Criteria: ACMG Guidelines, 2015. Collection method: clinical testing. Allele origin: germline.
Comment: This missense variant replaces arginine with tryptophan at codon 827 in the actuator domain of the ATP7B protein, a highly conserved region that is considered to be important for ATP7B protein function (PMID: 35245129ClinVar). Computational prediction suggests that this variant may have deleterious impact on protein structure and function. Experimental studies have shown that this variant disrupts function in yeast complementation and growth assays (PMID: 21645214), however, a different study conducted in human fibroblasts showed that protein expression and activity were comparable to wild-type (PMID: 40661833). This variant has been observed in individuals affected with Wilson disease, including in the homozygous state and the compound heterozygous state (PMID: 21645214, 24720933, 30232804, 33640437). This variant has been identified in 11/280928 chromosomes in the general population by the Genome Aggregation Database (gnomAD). Although there is suspicion that this variant may be associated with disease, additional studies are necessary to determine the role of this variant in disease conclusively. Therefore, this variant is classified as a Variant of Uncertain Significance.

Dasa
Classification: Likely pathogenic. Last evaluated: 2025-07-29. Review status: criteria provided, single submitter. Criteria: DASA Assertion Criteria. Collection method: clinical testing. Allele origin: germline.
Comment: NM_000053.4(ATP7B):c.2479C>T (p.Arg827Trp) is a missense variant that results in the substitution of arginine with tryptophan. The affected residue or protein region has prior evidence supporting clinical relevance. This variant has been recurrently observed in individuals with ATP7B-related disorders (PMID: 33640437; PMID: 21645214; PMID: 24720933). Functional evidence supports an impact on the gene or gene product. Also, this variant is rare in population databases. Based on the currently available evidence, this variant is classified as likely pathogenic.

Fulgent Genetics
Classification: Uncertain significance for Wilson disease. Last evaluated: 2024-06-08. Review status: criteria provided, single submitter. Criteria: ACMG Guidelines, 2015. Collection method: clinical testing. Allele origin: germline.

Baylor Genetics
Classification: Likely pathogenic for Wilson disease. Last evaluated: 2024-03-05. Review status: criteria provided, single submitter. Criteria: ACMG Guidelines, 2015. Collection method: clinical testing. Allele origin: unknown.

All of Us Research Program, National Institutes of Health
Classification: Uncertain significance for Wilson disease. Last evaluated: 2024-01-11. Review status: criteria provided, single submitter. Criteria: ACMG Guidelines, 2015. Collection method: clinical testing. Allele origin: germline. Inheritance: Autosomal recessive inheritance. Observed: 10 variant alleles, 10 heterozygotes.
Comment: This missense variant replaces arginine with tryptophan at codon 827 of the ATP7B protein. Computational prediction suggests that this variant may have deleterious impact on protein structure and function (internally defined REVEL score threshold >= 0.7, PMID: 27666373). Experimental studies have shown that this variant disrupts function in yeast complementation and growth assays (PMID: 21645214). This variant has been observed in individuals affected with Wilson disease, including in the homozygous state and the compound heterozygous state, indicating that this variant contributes to disease (PMID: 21645214, 24720933, 30232804, 33640437). This variant has been identified in 11/280928 chromosomes in the general population by the Genome Aggregation Database (gnomAD). The available evidence is insufficient to determine the role of this variant in disease conclusively. Therefore, this variant is classified as a Variant of Uncertain Significance.

This study involves interpretation of variants in research participants for the purpose of population health screening. Participant phenotype was not available at the time of variant classification. Additional details can be found in publication PMID: 35346344, PMCID: PMC8962531

Labcorp Genetics (formerly Invitae), Labcorp
Classification: Uncertain significance for Wilson disease. Last evaluated: 2022-08-24. Review status: criteria provided, single submitter. Criteria: Invitae Variant Classification Sherloc (09022015). Collection method: clinical testing. Allele origin: germline.
Comment: This sequence change replaces arginine, which is basic and polar, with tryptophan, which is neutral and slightly polar, at codon 827 of the ATP7B protein (p.Arg827Trp). This variant is present in population databases (rs539585071, gnomAD 0.01%). This missense change has been observed in individual(s) with Wilson disease (PMID: 21645214, 24720933, 30232804, 33640437). ClinVar contains an entry for this variant (Variation ID: 285881). Advanced modeling of protein sequence and biophysical properties (such as structural, functional, and spatial information, amino acid conservation, physicochemical variation, residue mobility, and thermodynamic stability) performed at Invitae indicates that this missense variant is expected to disrupt ATP7B protein function. Experimental studies have shown that this missense change affects ATP7B function (PMID: 21645214). This variant disrupts the p.Arg827 amino acid residue in ATP7B. Other variant(s) that disrupt this residue have been observed in individuals with ATP7B-related conditions (PMID: 24517292, 30232804), which suggests that this may be a clinically significant amino acid residue. In summary, the available evidence is currently insufficient to determine the role of this variant in disease. Therefore, it has been classified as a Variant of Uncertain Significance.

Genome-Nilou Lab
Classification: Uncertain significance for Wilson disease. Last evaluated: 2021-09-05. Review status: criteria provided, single submitter. Criteria: ACMG Guidelines, 2015. Collection method: clinical testing. Allele origin: germline. Affected: no.

Women's Health and Genetics/Laboratory Corporation of America, LabCorp
Classification: Uncertain significance. Last evaluated: 2021-08-20. Review status: criteria provided, single submitter. Criteria: LabCorp Variant Classification Summary - May 2015. Collection method: clinical testing. Allele origin: germline.
Comment: Variant summary: ATP7B c.2479C>T (p.Arg827Trp) results in a non-conservative amino acid change in the encoded protein sequence. Five of five in-silico tools predict a damaging effect of the variant on protein function. The variant allele was found at a frequency of 3.6e-05 in 249556 control chromosomes. The available data on variant occurrences in the general population are insufficient to allow any conclusion about variant significance. c.2479C>T has been reported in the literature in individuals affected with Wilson Disease (Collins_2021, Lee_2011). These reports however, do not provide unequivocal conclusions about association of the variant with Wilson Disease. To our knowledge, no experimental evidence demonstrating an impact on protein function has been reported. Two ClinVar submitters (evaluation after 2014) cite the variant as uncertain significance. Based on the evidence outlined above, the variant was classified as uncertain significance.

Eurofins Ntd Llc (ga)
Classification: Uncertain significance. Last evaluated: 2016-02-16. Review status: criteria provided, single submitter. Criteria: EGL Classification Definitions 2015. Collection method: clinical testing. Allele origin: germline. Observed: 1 variant allele, 1 heterozygote.

Natera, Inc.
Classification: Uncertain significance for Wilson disease. Last evaluated: 2020-03-18. Review status: no assertion criteria provided. Collection method: clinical testing. Allele origin: germline. Not counted in ClinVar's aggregate classification.

Literature cited by the submitters: PubMed 21645214 (cited by 5 submitters); PubMed 24720933 (cited by 4 submitters); PubMed 30232804 (cited by 4 submitters); PubMed 33640437 (cited by 5 submitters); PubMed 35245129 (cited by Color Diagnostics, LLC DBA Color Health); PubMed 40661833 (cited by Color Diagnostics, LLC DBA Color Health); PubMed 24517292 (cited by Labcorp Genetics (formerly Invitae), Labcorp).